The following is an entry in ClinVar:

NM_001321075.3(DLG4):c.270C>G (p.Asp90Glu)

Gene: DLG4 (discs large MAGUK scaffold protein 4; minus strand). Cytogenetic location: 17p13.1.
Variant type: single nucleotide variant.
Coding change: c.270C>G on transcript NM_001321075.3 (MANE Select); coding-DNA position 270, C replaced by G.
Protein change: p.Asp90Glu; replaces aspartic acid 90 with glutamic acid.
Molecular consequence: missense variant. On other transcripts: non-coding transcript variant (1).
Genome position (GRCh38, 1-based): chr17:7,203,757, G>C on the plus strand (C>G on the coding strand, the complement: DLG4 is on the minus strand). VCF-style: chr17-7203757-G-C. GRCh37 (hg19) VCF-style: chr17-7107076-G-C.
Other names: c.261C>G, p.Asp87Glu (NM_001128827.4); c.390C>G, p.Asp130Glu (NM_001321074.1); c.90C>G, p.Asp30Glu (NM_001321076.3, NM_001321077.3); c.399C>G, p.Asp133Glu (NM_001365.5); c.189C>G, p.Asp63Glu (NM_001369566.3); short protein forms D130E, D133E, D30E, D63E, D87E, D90E.
Identifiers: ClinVar variation 2505751 (VCV002505751.3), dbSNP rs755756114, ClinGen allele CA397720055.

ClinVar aggregate classification (germline): Uncertain significance (1 of 4 stars; one submission).

Submission:

GeneDx
Classification: Uncertain significance. Last evaluated: 2025-03-24. Review status: criteria provided, single submitter. Criteria: GeneDx Variant Classification Process June 2021. Collection method: clinical testing. Allele origin: germline. Affected: yes.
Comment: In silico analysis supports that this missense variant has a deleterious effect on protein structure/function; In silico analysis supports a deleterious effect on splicing; Has not been previously published as pathogenic or benign to our knowledge